The following is an entry in ClinVar:

NM_006892.4(DNMT3B):c.560C>G (p.Pro187Arg)

Gene: DNMT3B (DNA methyltransferase 3 beta; plus strand). Cytogenetic location: 20q11.21.
Variant type: single nucleotide variant.
Coding change: c.560C>G on transcript NM_006892.4 (MANE Select); coding-DNA position 560, C replaced by G.
Protein change: p.Pro187Arg; replaces proline 187 with arginine.
Molecular consequence: missense variant.
Genome position (GRCh38, 1-based): chr20:32,787,357, C>G. VCF-style: chr20-32787357-C-G. GRCh37 (hg19) VCF-style: chr20-31375163-C-G.
Other names: c.434C>G, p.Pro145Arg (NM_001207055.2); c.332C>G, p.Pro111Arg (NM_001207056.2); c.560C>G, p.Pro187Arg (NM_175848.2, NM_175849.2); c.596C>G, p.Pro199Arg (NM_175850.3); short protein forms P111R, P145R, P187R, P199R.
Identifiers: ClinVar variation 1059799 (VCV001059799.6), dbSNP rs774622592, ClinGen allele CA313185210.
Genomic context (GRCh38, chr20:32,787,357, plus strand): 5'-CCATCGACCTCACAGACGACACAGAGGACACACATGGGACGCCCCAGAGCAGCAGTACCC[C>G]CTACGCCCGCCTAGCCCAGGACAGCCAGCAGGGGGGCATGGAGTCCCCGCAGGTGGAGGC-3'
Protein context (NP_008823.1, residues 177-197): THGTPQSSST[Pro187Arg]YARLAQDSQQ

ClinVar aggregate classification (germline): Uncertain significance (1 of 4 stars; one submission).

Conditions:
Centromeric instability of chromosomes 1,9 and 16 and immunodeficiency (ICF1). Also called: Immunodeficiency-centromeric instability-facial anomalies; IMMUNE DEFICIENCY, VARIABLE, WITH CENTROMERIC INSTABILITY OF CHROMOSOMES 1, 9, AND 16; IMMUNODEFICIENCY SYNDROME, VARIABLE; CENTROMERIC INSTABILITY, IMMUNODEFICIENCY SYNDROME. Identifiers: Orphanet 2268, MedGen C0398788, MONDO:0000133.

Allele frequency attached by ClinVar (database versions not stated): TOPMed below 0.00001.
gnomAD v4.1: 8 of 1,614,096 alleles (0.0005%); highest among the groups gnomAD compares: Non-Finnish European, 0.00068%; no homozygotes.

Submission:

Labcorp Genetics (formerly Invitae), Labcorp
Classification: Uncertain significance for Centromeric instability of chromosomes 1,9 and 16 and immunodeficiency. Last evaluated: 2021-08-28. Review status: criteria provided, single submitter. Criteria: Invitae Variant Classification Sherloc (09022015). Collection method: clinical testing. Allele origin: germline.
Comment: This sequence change replaces proline with arginine at codon 187 of the DNMT3B protein (p.Pro187Arg). The proline residue is highly conserved and there is a moderate physicochemical difference between proline and arginine. This variant is not present in population databases (ExAC no frequency). This variant has not been reported in the literature in individuals affected with DNMT3B-related conditions. Algorithms developed to predict the effect of missense changes on protein structure and function are either unavailable or do not agree on the potential impact of this missense change (SIFT: "Tolerated"; PolyPhen-2: "Probably Damaging"; Align-GVGD: "Class C0"). In summary, the available evidence is currently insufficient to determine the role of this variant in disease. Therefore, it has been classified as a Variant of Uncertain Significance.